The following is an entry in ClinVar:

NM_000260.4(MYO7A):c.5657C>T (p.Pro1886Leu)

Gene: MYO7A (myosin VIIA; plus strand). Cytogenetic location: 11q13.5.
Variant type: single nucleotide variant.
Coding change: c.5657C>T on transcript NM_000260.4 (MANE Select); coding-DNA position 5657, C replaced by T.
Protein change: p.Pro1886Leu; replaces proline 1886 with leucine.
Molecular consequence: missense variant.
Genome position (GRCh38, 1-based): chr11:77,206,117, C>T. VCF-style: chr11-77206117-C-T. GRCh37 (hg19) VCF-style: chr11-76917162-C-T.
Other names: c.5543C>T, p.Pro1848Leu (NM_001127180.2); c.5510C>T, p.Pro1837Leu (NM_001369365.1); short protein forms P1848L, P1886L, P1837L.
Identifiers: ClinVar variation 4751000 (VCV004751000.2).
Genomic context (GRCh38, chr11:77,206,117, plus strand): 5'-CCCACGCACATGCCCCCTGCTGCCCCTGCTGCCTTTTCAGAAACGGGTCCCGGAAGTACC[C>T]TCCGCACCTGGTGGAGGTGGAGGCCATCCAGCACAAGACCACCCAGATTTTCCACAAAGT-3'
Protein context (NP_000251.3, residues 1876-1896): KALRNGSRKY[Pro1886Leu]PHLVEVEAIQ

ClinVar aggregate classification (germline): Uncertain significance. Review status: criteria provided, multiple submitters, no conflicts (2 of 4 stars). 2 submissions from 2 submitters: Uncertain significance (2). Last evaluated 2026-03-18.

Conditions:
Usher syndrome type 1 (USH1). Also called: RETINITIS PIGMENTOSA AND CONGENITAL DEAFNESS. Identifiers: Orphanet 231169, Orphanet 886, MedGen C1568247, MONDO:0010168, OMIM 276900.

Submissions (2):

Myriad Genetics, Inc.
Classification: Uncertain significance for Usher syndrome type 1. Last evaluated: 2026-03-18. Review status: criteria provided, single submitter. Criteria: Myriad Autosomal Dominant, Autosomal Recessive and X-Linked Classification Criteria (2023). Collection method: clinical testing. Allele origin: unknown.
Comment: NM_000260.3(MYO7A):c.5657C>T(P1886L) is a missense variant classified as a variant of uncertain significance in the context of MYO7A-related disorders. P1886L has been observed in a case with relevant disease (PMID: 34519870). Relevant functional assessments of this variant are not available in the literature. P1886L has not been observed in referenced population frequency databases. In summary, there is insufficient evidence to classify NM_000260.3(MYO7A):c.5657C>T(P1886L) as pathogenic or benign. Please note: this variant was assessed in the context of healthy population screening.

Labcorp Genetics (formerly Invitae), Labcorp
Classification: Uncertain significance. Last evaluated: 2025-06-04. Review status: criteria provided, single submitter. Criteria: Invitae Variant Classification Sherloc (09022015). Collection method: clinical testing. Allele origin: germline.
Comment: This sequence change replaces proline, which is neutral and non-polar, with leucine, which is neutral and non-polar, at codon 1886 of the MYO7A protein (p.Pro1886Leu). This variant is not present in population databases (gnomAD no frequency). This missense change has been observed in individual(s) with deafness (PMID: 34519870). Invitae Evidence Modeling of protein sequence and biophysical properties (such as structural, functional, and spatial information, amino acid conservation, physicochemical variation, residue mobility, and thermodynamic stability) indicates that this missense variant is expected to disrupt MYO7A protein function with a positive predictive value of 95%. In summary, the available evidence is currently insufficient to determine the role of this variant in disease. Therefore, it has been classified as a Variant of Uncertain Significance.

Literature cited by the submitters: PubMed 34519870 (cited by Myriad Genetics, Inc. and Labcorp Genetics (formerly Invitae), Labcorp).